The following is an entry in ClinVar:

ClinVar aggregate classification (germline): Uncertain significance (0 of 4 stars; one submission).

Submission:

Richard Lifton Laboratory, Yale University School of Medicine
Classification: Uncertain significance. Review status: no assertion criteria provided. Collection method: not provided. Allele origin: somatic.
Comment: ZFP37
ClinVar note: Converted during submission from unknown to Uncertain significance.

NM_003408.3(ZFP37):c.19G>C (p.Val7Leu)

Genes: ZFP37 (ZFP37 zinc finger protein; minus strand), LOC130002408 (ATAC-STARR-seq lymphoblastoid active region 28832; plus strand). Cytogenetic location: 9q32.
Variant type: single nucleotide variant.
Coding change: c.19G>C on transcript NM_003408.3 (MANE Select); coding-DNA position 19, G replaced by C.
Protein change: p.Val7Leu; replaces valine 7 with leucine.
Molecular consequence: missense variant.
Genome position (GRCh38, 1-based): chr9:113,056,670, C>G on the plus strand (G>C on the coding strand, the complement: ZFP37 is on the minus strand). VCF-style: chr9-113056670-C-G. GRCh37 (hg19) VCF-style: chr9-115818950-C-G.
Other names: c.19G>C, p.Val7Leu (NM_001282515.2, NM_001282518.2); short protein forms V7L.
Identifiers: ClinVar variation 91951 (VCV000091951.2), dbSNP rs202181932, ClinGen allele CA232227.